The following is an entry in ClinVar:

ClinVar aggregate classification (germline): Uncertain significance. Review status: criteria provided, multiple submitters, no conflicts (2 of 4 stars). 6 submissions from 6 submitters: Uncertain significance (4). 2 of the submissions do not count toward it. Last evaluated 2025-12-30.

Conditions:
Cardiovascular phenotype. Identifiers: MedGen CN230736.
Alstrom syndrome (ALMS). Identifiers: Orphanet 64, MedGen C0268425, MONDO:0008763, OMIM 203800.

Allele frequency attached by ClinVar (database versions not stated): gnomAD exomes 0.00001 and 0.00002; gnomAD 0.00002; ExAC 0.00003; TOPMed 0.00003; ESP Exome Variant Server 0.00008.
gnomAD v4.1: 11 of 1,613,938 alleles (0.00068%); highest among the groups gnomAD compares: Non-Finnish European, 0.00093%; no homozygotes.

Submissions (6):

GeneDx
Classification: Uncertain significance. Last evaluated: 2025-12-30. Review status: criteria provided, single submitter. Criteria: GeneDx Variant Classification Process June 2021. Collection method: clinical testing. Allele origin: germline. Affected: yes.
Comment: Not observed at significant frequency in large population cohorts (gnomAD); In silico analysis supports that this missense variant has a deleterious effect on protein structure/function; Has not been previously published as pathogenic or benign to our knowledge

Ambry Genetics
Classification: Uncertain significance for Cardiovascular phenotype. Last evaluated: 2024-03-14. Review status: criteria provided, single submitter. Criteria: Ambry Variant Classification Scheme 2023. Collection method: clinical testing. Allele origin: germline.
Comment: The p.S3095L variant (also known as c.9284C>T), located in coding exon 10 of the ALMS1 gene, results from a C to T substitution at nucleotide position 9284. The serine at codon 3095 is replaced by leucine, an amino acid with dissimilar properties. This amino acid position is highly conserved in available vertebrate species. In addition, the in silico prediction for this alteration is inconclusive. Based on the available evidence, the clinical significance of this alteration remains unclear.

Fulgent Genetics
Classification: Uncertain significance for Alstrom syndrome. Last evaluated: 2022-05-10. Review status: criteria provided, single submitter. Criteria: ACMG Guidelines, 2015. Collection method: clinical testing. Allele origin: unknown.

Labcorp Genetics (formerly Invitae), Labcorp
Classification: Uncertain significance for Alstrom syndrome. Last evaluated: 2022-02-06. Review status: criteria provided, single submitter. Criteria: Invitae Variant Classification Sherloc (09022015). Collection method: clinical testing. Allele origin: germline.
Comment: This sequence change replaces serine, which is neutral and polar, with leucine, which is neutral and non-polar, at codon 3095 of the ALMS1 protein (p.Ser3095Leu). This variant is present in population databases (rs368970124, gnomAD 0.004%). This variant has not been reported in the literature in individuals affected with ALMS1-related conditions. ClinVar contains an entry for this variant (Variation ID: 553683). In summary, the available evidence is currently insufficient to determine the role of this variant in disease. Therefore, it has been classified as a Variant of Uncertain Significance.

Natera, Inc.
Classification: Uncertain significance for Alstrom syndrome. Last evaluated: 2021-06-30. Review status: no assertion criteria provided. Collection method: clinical testing. Allele origin: germline. Not counted in ClinVar's aggregate classification.

Counsyl
Classification: Uncertain significance for Alstrom syndrome. Last evaluated: 2017-09-12. Review status: no assertion criteria provided. Collection method: clinical testing. Allele origin: unknown. Not counted in ClinVar's aggregate classification.

NM_001378454.1(ALMS1):c.9281C>T (p.Ser3094Leu)

Gene: ALMS1 (ALMS1 centrosome and basal body associated protein; plus strand). Cytogenetic location: 2p13.1.
Variant type: single nucleotide variant.
Coding change: c.9281C>T on transcript NM_001378454.1 (MANE Select); coding-DNA position 9281, C replaced by T.
Protein change: p.Ser3094Leu; replaces serine 3094 with leucine.
Molecular consequence: missense variant.
Genome position (GRCh38, 1-based): chr2:73,491,240, C>T. VCF-style: chr2-73491240-C-T. GRCh37 (hg19) VCF-style: chr2-73718367-C-T.
Other names: c.9284C>T, p.Ser3095Leu (NM_015120.4); short protein forms S3095L, S3094L.
Identifiers: ClinVar variation 553683 (VCV000553683.14), dbSNP rs368970124, ClinGen allele CA1714630.